The following is an entry in ClinVar:

NM_003072.5(SMARCA4):c.2168C>T (p.Ala723Val)

Gene: SMARCA4 (SWI/SNF related BAF chromatin remodeling complex subunit ATPase 4; plus strand). Cytogenetic location: 19p13.2.
Variant type: single nucleotide variant.
Coding change: c.2168C>T on transcript NM_003072.5 (MANE Select); coding-DNA position 2168, C replaced by T.
Protein change: p.Ala723Val; replaces alanine 723 with valine.
Molecular consequence: missense variant. On other transcripts: non-coding transcript variant (1).
Genome position (GRCh38, 1-based): chr19:11,010,425, C>T. VCF-style: chr19-11010425-C-T. GRCh37 (hg19) VCF-style: chr19-11121101-C-T.
Other names: c.2168C>T, p.Ala723Val (NM_001128844.3, NM_001128845.2, NM_001128846.2 and 4 more transcripts); short protein forms A723V.
Identifiers: ClinVar variation 820814 (VCV000820814.4), dbSNP rs1600188186, ClinGen allele CA404052752.

ClinVar aggregate classification (germline): Uncertain significance (1 of 4 stars; one submission).

Conditions:
Hereditary cancer-predisposing syndrome. Also called: Neoplastic Syndromes, Hereditary; Tumor predisposition; Hereditary Cancer Syndrome; Hereditary neoplastic syndrome. Identifiers: Orphanet 140162, MedGen C0027672, MeSH D009386, MONDO:0015356.

Submission:

Ambry Genetics
Classification: Uncertain significance for Hereditary cancer-predisposing syndrome. Last evaluated: 2017-10-30. Review status: criteria provided, single submitter. Criteria: Ambry Variant Classification Scheme 2023. Collection method: clinical testing. Allele origin: germline.
Comment: The p.A723V variant (also known as c.2168C>T), located in coding exon 14 of the SMARCA4 gene, results from a C to T substitution at nucleotide position 2168. The alanine at codon 723 is replaced by valine, an amino acid with similar properties. This amino acid position is well conserved in available vertebrate species. In addition, this alteration is predicted to be tolerated by in silico analysis. Since supporting evidence is limited at this time, the clinical significance of this alteration remains unclear.